The following is an entry in ClinVar:

ClinVar aggregate classification (germline): Uncertain significance. Review status: criteria provided, multiple submitters, no conflicts (2 of 4 stars). 2 submissions from 2 submitters: Uncertain significance (2). Last evaluated 2025-03-24.

Conditions:
Hereditary cancer-predisposing syndrome. Also called: Neoplastic Syndromes, Hereditary; Hereditary Cancer Syndrome; Hereditary neoplastic syndrome; Tumor predisposition. Identifiers: Orphanet 140162, MedGen C0027672, MeSH D009386, MONDO:0015356.

gnomAD v4.1: 1 of 1,614,154 alleles (0.000062%); no homozygotes.

Submissions (2):

Ambry Genetics
Classification: Uncertain significance for Hereditary cancer-predisposing syndrome. Last evaluated: 2025-03-24. Review status: criteria provided, single submitter. Criteria: Ambry Variant Classification Scheme 2023. Collection method: clinical testing. Allele origin: germline.
Comment: The p.D23H variant (also known as c.67G>C), located in coding exon 2 of the POLE gene, results from a G to C substitution at nucleotide position 67. The aspartic acid at codon 23 is replaced by histidine, an amino acid with similar properties. This amino acid position is conserved. In addition, the in silico prediction for this alteration is inconclusive. Based on the available evidence, the clinical significance of this variant remains unclear.

Labcorp Genetics (formerly Invitae), Labcorp
Classification: Uncertain significance. Last evaluated: 2022-06-20. Review status: criteria provided, single submitter. Criteria: Invitae Variant Classification Sherloc (09022015). Collection method: clinical testing. Allele origin: germline.
Comment: This sequence change replaces aspartic acid, which is acidic and polar, with histidine, which is basic and polar, at codon 23 of the POLE protein (p.Asp23His). In summary, the available evidence is currently insufficient to determine the role of this variant in disease. Therefore, it has been classified as a Variant of Uncertain Significance. Algorithms developed to predict the effect of missense changes on protein structure and function (SIFT, PolyPhen-2, Align-GVGD) all suggest that this variant is likely to be tolerated. This variant has not been reported in the literature in individuals affected with POLE-related conditions. This variant is not present in population databases (gnomAD no frequency).

NM_006231.4(POLE):c.67G>C (p.Asp23His)

Gene: POLE (DNA polymerase epsilon, catalytic subunit; minus strand). Cytogenetic location: 12q24.33.
Variant type: single nucleotide variant.
Coding change: c.67G>C on transcript NM_006231.4 (MANE Select); coding-DNA position 67, G replaced by C.
Protein change: p.Asp23His; replaces aspartic acid 23 with histidine.
Molecular consequence: missense variant.
Genome position (GRCh38, 1-based): chr12:132,681,275, C>G on the plus strand (G>C on the coding strand, the complement: POLE is on the minus strand). VCF-style: chr12-132681275-C-G. GRCh37 (hg19) VCF-style: chr12-133257861-C-G.
Other names: c.67G>C (NM_006231.2); short protein forms D23H.
Identifiers: ClinVar variation 1437214 (VCV001437214.6), dbSNP rs970095477, ClinGen allele CA387370710.